The following is an entry in ClinVar:

ClinVar aggregate classification (germline): Conflicting classifications of pathogenicity. Review status: criteria provided, conflicting classifications (1 of 4 stars). 3 submissions from 3 submitters: Uncertain significance (2); Likely benign (1). Last evaluated 2026-09-01.

Conditions:
USP9X-related disorder. Also called: USP9X-related condition.

Allele frequency attached by ClinVar (database versions not stated): TOPMed 0.00004; gnomAD 0.00005; gnomAD exomes 0.00012.
gnomAD v4.1: 138 of 1,209,569 alleles (0.011%); highest among the groups gnomAD compares: Non-Finnish European, 0.015%; no homozygotes.

Submissions (3):

CeGaT Center for Human Genetics Tuebingen
Classification: Likely benign. Last evaluated: 2026-09-01. Review status: criteria provided, single submitter. Criteria: CeGaT Center For Human Genetics Tuebingen Variant Classification Criteria Version 2. Collection method: clinical testing. Allele origin: germline. Affected: yes. Observed: 1 variant allele.
Comment: USP9X: PP2, BS2

Labcorp Genetics (formerly Invitae), Labcorp
Classification: Uncertain significance. Last evaluated: 2024-12-10. Review status: criteria provided, single submitter. Criteria: Invitae Variant Classification Sherloc (09022015). Collection method: clinical testing. Allele origin: germline.
Comment: This sequence change replaces glycine, which is neutral and non-polar, with glutamic acid, which is acidic and polar, at codon 1890 of the USP9X protein (p.Gly1890Glu). This variant is present in population databases (no rsID available, gnomAD 0.002%). This missense change has been observed in individual(s) with USP9X-related conditions (PMID: 25763846). ClinVar contains an entry for this variant (Variation ID: 2628940). An algorithm developed to predict the effect of missense changes on protein structure and function (PolyPhen-2) suggests that this variant is likely to be tolerated. In summary, the available evidence is currently insufficient to determine the role of this variant in disease. Therefore, it has been classified as a Variant of Uncertain Significance.

PreventionGenetics, part of Exact Sciences
Classification: Uncertain significance for USP9X-related condition. Last evaluated: 2023-04-24. Review status: criteria provided, single submitter. Criteria: ACMG Guidelines, 2015. Collection method: clinical testing. Allele origin: germline.
Comment: The USP9X c.5669G>A variant is predicted to result in the amino acid substitution p.Gly1890Glu. This variant was reported in an individual with infantile spasms (Patient T2587, Paemka et al. 2015. PubMed ID: 25763846). This variant is reported in 0.0037% of alleles in individuals of European (Non-Finnish) descent in gnomAD. At this time, the clinical significance of this variant is uncertain due to the absence of conclusive functional and genetic evidence.

Literature cited by the submitters: PubMed 25763846 (cited by Labcorp Genetics (formerly Invitae), Labcorp).

NM_001039591.3(USP9X):c.5669G>A (p.Gly1890Glu)

Gene: USP9X (ubiquitin specific peptidase 9 X-linked; plus strand). Cytogenetic location: Xp11.4.
Variant type: single nucleotide variant.
Coding change: c.5669G>A on transcript NM_001039591.3 (MANE Select); coding-DNA position 5669, G replaced by A.
Protein change: p.Gly1890Glu; replaces glycine 1890 with glutamic acid.
Molecular consequence: missense variant.
Genome position (GRCh38, 1-based): chrX:41,216,236, G>A. VCF-style: chrX-41216236-G-A. GRCh37 (hg19) VCF-style: chrX-41075489-G-A.
Other names: c.5669G>A, p.Gly1890Glu (NM_001039590.3); c.5684G>A, p.Gly1895Glu (NM_001410748.1, NM_001410749.1); short protein forms G1890E, G1895E.
Identifiers: ClinVar variation 2628940 (VCV002628940.4), dbSNP rs1051133974, ClinGen allele CA329026432.